The following is an entry in ClinVar:

ClinVar aggregate classification (germline): Uncertain significance (1 of 4 stars; one submission).

Conditions:
Hereditary cancer-predisposing syndrome. Also called: Tumor predisposition; Hereditary Cancer Syndrome; Hereditary neoplastic syndrome; Neoplastic Syndromes, Hereditary. Identifiers: Orphanet 140162, MedGen C0027672, MeSH D009386, MONDO:0015356.

Submission:

Ambry Genetics
Classification: Uncertain significance for Hereditary cancer-predisposing syndrome. Last evaluated: 2024-05-28. Review status: criteria provided, single submitter. Criteria: Ambry Variant Classification Scheme 2023. Collection method: clinical testing. Allele origin: germline.
Comment: The c.2076delT variant, located in coding exon 7 of the MET gene, results from a deletion of one nucleotide at nucleotide position 2076, causing a translational frameshift with a predicted alternate stop codon (p.I692Mfs*8). This alteration is expected to result in protein truncation or nonsense-mediated mRNA decay. However, loss of function of MET has not been established as a mechanism of disease. Based on the available evidence, the clinical significance of this alteration remains unclear.

NM_000245.4(MET):c.2076del (p.Ile692fs)

Gene: MET (MET proto-oncogene, receptor tyrosine kinase; plus strand). Cytogenetic location: 7q31.2.
Variant type: Deletion.
Coding change: c.2076del on transcript NM_000245.4 (MANE Select); coding-DNA position 2076, one base deleted (T; older notation c.2076delT).
Protein change: p.Ile692fs; shifts the reading frame from isoleucine 692.
Molecular consequence: frameshift variant.
Genome position (GRCh38, 1-based): chr7:116,757,748, T deleted; the last of 2 consecutive T bases (chr7:116,757,747-116,757,748); deleting either gives the same sequence. VCF-style (leftmost placement, unchanged base first): chr7-116757746-AT-A. GRCh37 (hg19) VCF-style: chr7-116397800-AT-A.
Other names: c.2076del, p.Ile692fs (NM_001127500.3, NM_001324401.3); c.786del, p.Ile262fs (NM_001324402.2); short protein forms I692fs, I262fs.
Identifiers: ClinVar variation 3294290 (VCV003294290.1).